The following is an entry in ClinVar:

ClinVar aggregate classification (germline): Uncertain significance. Review status: criteria provided, multiple submitters, no conflicts (2 of 4 stars). 4 submissions from 4 submitters: Uncertain significance (3). 1 of the submissions does not count toward it. Last evaluated 2022-01-14.

Conditions:
Cardiovascular phenotype. Identifiers: MedGen CN230736.
Hypertrophic cardiomyopathy. Also called: HYPERTROPHIC MYOCARDIOPATHY. Identifiers: Orphanet 217569, MedGen C0007194, MeSH D002312, MONDO:0005045, HP:0001639.

Submissions (4):

Labcorp Genetics (formerly Invitae), Labcorp
Classification: Uncertain significance for Hypertrophic cardiomyopathy. Last evaluated: 2022-01-14. Review status: criteria provided, single submitter. Criteria: Invitae Variant Classification Sherloc (09022015). Collection method: clinical testing. Allele origin: germline.
Comment: ClinVar contains an entry for this variant (Variation ID: 181590). Algorithms developed to predict the effect of missense changes on protein structure and function are either unavailable or do not agree on the potential impact of this missense change (SIFT: "Deleterious"; PolyPhen-2: "Probably Damaging"; Align-GVGD: "Class C0"). In summary, the available evidence is currently insufficient to determine the role of this variant in disease. Therefore, it has been classified as a Variant of Uncertain Significance. This variant has not been reported in the literature in individuals affected with TNNI3-related conditions. This sequence change replaces lysine, which is basic and polar, with glutamic acid, which is acidic and polar, at codon 193 of the TNNI3 protein (p.Lys193Glu). This variant is not present in population databases (gnomAD no frequency).

Ambry Genetics
Classification: Uncertain significance for Cardiovascular phenotype. Last evaluated: 2016-07-14. Review status: criteria provided, single submitter. Criteria: Ambry Variant Classification Scheme 2023. Collection method: clinical testing. Allele origin: germline.
Comment: The p.K193E variant (also known as c.577A>G), located in coding exon 8 of the TNNI3 gene, results from an A to G substitution at nucleotide position 577. The lysine at codon 193 is replaced by glutamic acid, an amino acid with similar properties. This variant was previously reported in the SNPDatabase as rs730881080. This variant was not reported in population based cohorts in the following databases: NHLBI Exome Sequencing Project (ESP), and 1000 Genomes Project. In the ESP, this variant was not observed in 6130 samples (12260 alleles) with coverage at this position. This amino acid position is highly conserved in available vertebrate species. In addition, this alteration is predicted to be deleterious by in silico analysis. Since supporting evidence is limited at this time, the clinical significance of this alteration remains unclear.

GeneDx
Classification: Uncertain significance. Last evaluated: 2015-07-30. Review status: criteria provided, single submitter. Criteria: GeneDx Variant Classification (06012015). Collection method: clinical testing. Allele origin: germline. Affected: yes.
Comment: The K193E variant has not been published as a mutation, nor has it been reported as a benign polymorphism to our knowledge. The K193E variant was not observed in approximately 6100 individuals of European and African American ancestry in the NHLBI Exome Sequencing Project, indicating it is not a common benign variant in these populations. The K193E variant is a non-conservative amino acid substitution, which is likely to impact secondary protein structure as these residues differ in polarity, charge, size and/or other properties. This substitution occurs at a position that is conserved across species. Missense mutations in nearby residues (R192C, R192H, I195M, D196N) have been reported in the Human Gene Mutation Database in association with cardiomyopathy (Stenson et al., 2014), supporting the functional importance of this region of the protein. Nevertheless, in silico analysis is inconsistent in its predictions as to whether or not the variant is damaging to the protein structure/function. Therefore, based on the currently available information, it is unclear whether this variant is a pathogenic mutation or a rare benign variant.

Institute of Human Genetics, University of Wuerzburg
Classification: Likely pathogenic for Hypertrophic cardiomyopathy. Review status: no assertion criteria provided. Collection method: clinical testing. Allele origin: unknown. Not counted in ClinVar's aggregate classification.

NM_000363.5(TNNI3):c.577A>G (p.Lys193Glu)

Gene: TNNI3 (troponin I3, cardiac type; minus strand). Cytogenetic location: 19q13.42.
Variant type: single nucleotide variant.
Coding change: c.577A>G on transcript NM_000363.5 (MANE Select); coding-DNA position 577, A replaced by G.
Protein change: p.Lys193Glu; replaces lysine 193 with glutamic acid.
Molecular consequence: missense variant.
Genome position (GRCh38, 1-based): chr19:55,151,890, T>C on the plus strand (A>G on the coding strand, the complement: TNNI3 is on the minus strand). VCF-style: chr19-55151890-T-C. GRCh37 (hg19) VCF-style: chr19-55663258-T-C.
Other names: p.K193E:AAG>GAG; c.577A>G (LRG_432t1); short protein forms K193E.
Identifiers: ClinVar variation 181590 (VCV000181590.13), dbSNP rs730881080, ClinGen allele CA021977.
Genomic context (GRCh38, chr19:55,151,890, plus strand): 5'-AGGCTCAGCTCTCAAACTTTTTCTTGCGGCCCTCCATTCCACTCAGTGCATCGATGTTCT[T>C]GCGCCAGTCTCCCACCTCCCGGTTTTCCTGGAGGATGGCGATGAGTCAGAGGTTAGGGTC-3'
Protein context (NP_000354.4, residues 183-203): KENREVGDWR[Lys193Glu]NIDALSGMEG